The following is an entry in ClinVar:

NM_021175.4(HAMP):c.97C>A (p.Gln33Lys)

Gene: HAMP (hepcidin antimicrobial peptide; plus strand). Cytogenetic location: 19q13.12.
Variant type: single nucleotide variant.
Coding change: c.97C>A on transcript NM_021175.4 (MANE Select); coding-DNA position 97, C replaced by A.
Protein change: p.Gln33Lys; replaces glutamine 33 with lysine.
Molecular consequence: missense variant.
Genome position (GRCh38, 1-based): chr19:35,284,795, C>A. VCF-style: chr19-35284795-C-A. GRCh37 (hg19) VCF-style: chr19-35775698-C-A.
Other names: short protein forms Q33K.
Identifiers: ClinVar variation 1380926 (VCV001380926.8), dbSNP rs2066318628, ClinGen allele CA405300448.
Genomic context (GRCh38, chr19:35,284,795, plus strand): 5'-TCAGAGGTCCACTGGGCCCCCTGCCATCCTCTGCACCCCCTTCTGCTTTCACAGACGGGA[C>A]AACTTGCAGAGCTGCAACCCCAGGACAGAGCTGGAGCCAGGGCCAGCTGGATGGTGAGCG-3'
Protein context (NP_066998.1, residues 23-43): SGSVFPQQTG[Gln33Lys]LAELQPQDRA

ClinVar aggregate classification (germline): Uncertain significance (1 of 4 stars; one submission).

Conditions:
Hereditary hemochromatosis (HFE). Identifiers: MedGen C0392514, MONDO:0006507. Disease mechanism: loss of function.

Allele frequency attached by ClinVar (database versions not stated): gnomAD exomes below 0.00001.

Submission:

Labcorp Genetics (formerly Invitae), Labcorp
Classification: Uncertain significance for Hereditary hemochromatosis. Last evaluated: 2020-11-10. Review status: criteria provided, single submitter. Criteria: Invitae Variant Classification Sherloc (09022015). Collection method: clinical testing. Allele origin: germline.
Comment: In summary, the available evidence is currently insufficient to determine the role of this variant in disease. Therefore, it has been classified as a Variant of Uncertain Significance. Algorithms developed to predict the effect of missense changes on protein structure and function (SIFT, PolyPhen-2, Align-GVGD) all suggest that this variant is likely to be disruptive, but these predictions have not been confirmed by published functional studies and their clinical significance is uncertain. This variant has not been reported in the literature in individuals with HAMP-related conditions. This variant is not present in population databases (ExAC no frequency). This sequence change replaces glutamine with lysine at codon 33 of the HAMP protein (p.Gln33Lys). The glutamine residue is highly conserved and there is a small physicochemical difference between glutamine and lysine.